The following is an entry in ClinVar:

ClinVar aggregate classification (germline): Uncertain significance (1 of 4 stars; one submission).

Allele frequency attached by ClinVar (database versions not stated): gnomAD exomes below 0.00001 and 0.00001; ExAC 0.00001; gnomAD 0.00001.
gnomAD v4.1: 8 of 1,613,712 alleles (0.0005%); highest among the groups gnomAD compares: African/African-American, 0.0013%; no homozygotes.

Submission:

GeneDx
Classification: Uncertain significance. Last evaluated: 2019-05-16. Review status: criteria provided, single submitter. Criteria: GeneDx Variant Classification Process June 2021. Collection method: clinical testing. Allele origin: germline. Affected: yes.
Comment: Has not been previously published as pathogenic or benign to our knowledge; In silico analysis, which includes protein predictors and evolutionary conservation, supports a deleterious effect

NM_004830.4(MED23):c.1697C>T (p.Thr566Ile)

Gene: MED23 (mediator complex subunit 23; minus strand). Cytogenetic location: 6q23.2.
Variant type: single nucleotide variant.
Coding change: c.1697C>T on transcript NM_004830.4 (MANE Select); coding-DNA position 1697, C replaced by T.
Protein change: p.Thr566Ile; replaces threonine 566 with isoleucine.
Molecular consequence: missense variant.
Genome position (GRCh38, 1-based): chr6:131,604,237, G>A on the plus strand (C>T on the coding strand, the complement: MED23 is on the minus strand). VCF-style: chr6-131604237-G-A. GRCh37 (hg19) VCF-style: chr6-131925377-G-A.
Other names: c.1697C>T, p.Thr566Ile (NM_001270521.2, NM_001270522.2, NM_001376519.1 and 3 more transcripts); c.1715C>T, p.Thr572Ile (NM_001376517.1, NM_015979.4); c.1643C>T, p.Thr548Ile (NM_001376518.1); c.1556C>T, p.Thr519Ile (NM_001376520.1); c.1442C>T, p.Thr481Ile (NM_001376523.1); short protein forms T481I, T519I, T548I, T566I, T572I.
Identifiers: ClinVar variation 1303398 (VCV001303398.2), dbSNP rs762828002, ClinGen allele CA3999961.